The following is an entry in ClinVar:

NM_001395413.1(POR):c.710G>A (p.Gly237Asp)

Gene: POR (cytochrome p450 oxidoreductase; plus strand). Cytogenetic location: 7q11.23.
Variant type: single nucleotide variant.
Coding change: c.710G>A on transcript NM_001395413.1 (MANE Select); coding-DNA position 710, G replaced by A.
Protein change: p.Gly237Asp; replaces glycine 237 with aspartic acid.
Molecular consequence: missense variant.
Genome position (GRCh38, 1-based): chr7:75,981,594, G>A. VCF-style: chr7-75981594-G-A. GRCh37 (hg19) VCF-style: chr7-75610912-G-A.
Other names: c.710G>A, p.Gly237Asp (NM_001367562.3, NM_001382657.2, NM_001382658.3 and 2 more transcripts); c.764G>A, p.Gly255Asp (NM_001382655.3); short protein forms G237D, G255D.
Identifiers: ClinVar variation 908617 (VCV000908617.6), dbSNP rs782746344, ClinGen allele CA4303785.

ClinVar aggregate classification (germline): Uncertain significance. Review status: criteria provided, multiple submitters, no conflicts (2 of 4 stars). 2 submissions from 2 submitters: Uncertain significance (2). Last evaluated 2022-10-24.

Conditions:
Congenital adrenal hyperplasia due to cytochrome P450 oxidoreductase deficiency. Also called: DISORDERED STEROIDOGENESIS DUE TO POR DEFICIENCY. Identifiers: Orphanet 95699, MedGen C1860042, MONDO:0013310, OMIM 613571.

Allele frequency attached by ClinVar (database versions not stated): ExAC 0.00007; gnomAD exomes 0.00007 and 0.00012; gnomAD 0.00011; TOPMed 0.00012.
gnomAD v4.1: 184 of 1,612,890 alleles (0.011%); highest among the groups gnomAD compares: Non-Finnish European, 0.015%; no homozygotes.

Submissions (2):

Labcorp Genetics (formerly Invitae), Labcorp
Classification: Uncertain significance for Congenital adrenal hyperplasia due to cytochrome P450 oxidoreductase deficiency. Last evaluated: 2022-10-24. Review status: criteria provided, single submitter. Criteria: Invitae Variant Classification Sherloc (09022015). Collection method: clinical testing. Allele origin: germline.
Comment: This sequence change replaces glycine, which is neutral and non-polar, with aspartic acid, which is acidic and polar, at codon 240 of the POR protein (p.Gly240Asp). This variant is present in population databases (rs782746344, gnomAD 0.01%). This variant has not been reported in the literature in individuals affected with POR-related conditions. ClinVar contains an entry for this variant (Variation ID: 908617). Algorithms developed to predict the effect of missense changes on protein structure and function are either unavailable or do not agree on the potential impact of this missense change (SIFT: "Deleterious"; PolyPhen-2: "Benign"; Align-GVGD: "Class C65"). In summary, the available evidence is currently insufficient to determine the role of this variant in disease. Therefore, it has been classified as a Variant of Uncertain Significance.

Illumina Laboratory Services, Illumina
Classification: Uncertain significance for Congenital adrenal hyperplasia due to cytochrome P450 oxidoreductase deficiency. Last evaluated: 2018-01-13. Review status: criteria provided, single submitter. Criteria: ICSL Variant Classification Criteria 13 December 2019. Collection method: clinical testing. Allele origin: germline.